The following is an entry in ClinVar:

NM_001105206.3(LAMA4):c.4888T>C (p.Ser1630Pro)

Gene: LAMA4 (laminin subunit alpha 4; minus strand). Cytogenetic location: 6q21.
Variant type: single nucleotide variant.
Coding change: c.4888T>C on transcript NM_001105206.3 (MANE Select); coding-DNA position 4888, T replaced by C.
Protein change: p.Ser1630Pro; replaces serine 1630 with proline.
Molecular consequence: missense variant.
Genome position (GRCh38, 1-based): chr6:112,117,832, A>G on the plus strand (T>C on the coding strand, the complement: LAMA4 is on the minus strand). VCF-style: chr6-112117832-A-G. GRCh37 (hg19) VCF-style: chr6-112439035-A-G.
Other names: c.4867T>C, p.Ser1623Pro (NM_001105207.3, NM_002290.5); short protein forms S1623P, S1630P.
Identifiers: ClinVar variation 5023462 (VCV005023462.1).

ClinVar aggregate classification (germline): Uncertain significance (1 of 4 stars; one submission).

Conditions:
Cardiovascular phenotype. Identifiers: MedGen CN230736.

Submission:

Ambry Genetics
Classification: Uncertain significance for Cardiovascular phenotype. Last evaluated: 2026-07-13. Review status: criteria provided, single submitter. Criteria: Ambry Variant Classification Scheme 2023. Collection method: clinical testing. Allele origin: germline.
Comment: The p.S1623P variant (also known as c.4867T>C), located in coding exon 34 of the LAMA4 gene, results from a T to C substitution at nucleotide position 4867. The serine at codon 1623 is replaced by proline, an amino acid with similar properties. This amino acid position is conserved. In addition, this alteration is predicted to be tolerated by in silico analysis. Based on the available evidence, the clinical significance of this variant remains unclear.